The following is an entry in ClinVar:

NM_012213.3(MLYCD):c.1039_1041del (p.Lys347del)

Gene: MLYCD (malonyl-CoA decarboxylase; plus strand). Cytogenetic location: 16q23.3.
Variant type: Deletion.
Coding change: c.1039_1041del on transcript NM_012213.3 (MANE Select); coding-DNA positions 1039 to 1041, 3 bases deleted (AAG; older notation c.1039_1041delAAG).
Protein change: p.Lys347del; deletes lysine 347.
Molecular consequence: inframe deletion.
Genome position (GRCh38, 1-based): chr16:83,915,046-83,915,048, AAG deleted; deleting any 3 consecutive bases within chr16:83,915,045-83,915,048 gives the same sequence; the c. name uses the placement nearest the transcript's 3' end. VCF-style (leftmost placement, unchanged base first): chr16-83915044-CGAA-C. GRCh37 (hg19) VCF-style: chr16-83948649-CGAA-C.
Other names: short protein forms K347del.
Identifiers: ClinVar variation 2186831 (VCV002186831.4), dbSNP rs1567636890, ClinGen allele CA624017912.

ClinVar aggregate classification (germline): Uncertain significance (1 of 4 stars; one submission).

Conditions:
Deficiency of malonyl-CoA decarboxylase. Also called: Malonic aciduria; MCD deficiency. Identifiers: Orphanet 943, MedGen C0342793, MONDO:0009556, OMIM 248360.

Submission:

Labcorp Genetics (formerly Invitae), Labcorp
Classification: Uncertain significance for Deficiency of malonyl-CoA decarboxylase. Last evaluated: 2022-01-04. Review status: criteria provided, single submitter. Criteria: Invitae Variant Classification Sherloc (09022015). Collection method: clinical testing. Allele origin: germline.
Comment: In summary, the available evidence is currently insufficient to determine the role of this variant in disease. Therefore, it has been classified as a Variant of Uncertain Significance. This variant has not been reported in the literature in individuals affected with MLYCD-related conditions. This variant is present in population databases (no rsID available, gnomAD 0.002%). This variant, c.1039_1041del, results in the deletion of 1 amino acid(s) of the MLYCD protein (p.Lys347del), but otherwise preserves the integrity of the reading frame.